The following is an entry in ClinVar:

ClinVar aggregate classification (germline): Likely benign. Review status: criteria provided, multiple submitters, no conflicts (2 of 4 stars). 5 submissions from 5 submitters: Likely benign (4). 1 of the submissions does not count toward it. Last evaluated 2024-09-21.

Conditions:
RASA2-related disorder. Also called: RASA2-related condition.

Allele frequency attached by ClinVar (database versions not stated): gnomAD exomes 0.00004 and 0.00009; gnomAD 0.00006 and 0.00007; TOPMed 0.00007.
gnomAD v4.1: 137 of 1,610,428 alleles (0.0085%); highest among the groups gnomAD compares: Non-Finnish European, 0.011%; no homozygotes.

Submissions (5):

Labcorp Genetics (formerly Invitae), Labcorp
Classification: Likely benign. Last evaluated: 2024-09-21. Review status: criteria provided, single submitter. Criteria: Invitae Variant Classification Sherloc (09022015). Collection method: clinical testing. Allele origin: germline.

Blueprint Genetics
Classification: Likely benign. Last evaluated: 2024-04-05. Review status: criteria provided, single submitter. Criteria: ACMG Guidelines, 2015. Collection method: clinical testing. Allele origin: germline.

Ambry Genetics
Classification: Likely benign. Last evaluated: 2022-03-25. Review status: criteria provided, single submitter. Criteria: Ambry Variant Classification Scheme 2023. Collection method: clinical testing. Allele origin: germline.

Women's Health and Genetics/Laboratory Corporation of America, LabCorp
Classification: Likely benign. Last evaluated: 2020-01-06. Review status: criteria provided, single submitter. Criteria: LabCorp Variant Classification Summary - May 2015. Collection method: clinical testing. Allele origin: germline.

PreventionGenetics, part of Exact Sciences
Classification: Likely benign for RASA2-related condition. Last evaluated: 2020-09-08. Review status: no assertion criteria provided. Collection method: clinical testing. Allele origin: germline. Not counted in ClinVar's aggregate classification.
Comment: This variant is classified as likely benign based on ACMG/AMP sequence variant interpretation guidelines (Richards et al. 2015 PMID: 25741868, with internal and published modifications).

NM_006506.5(RASA2):c.519T>C (p.Leu173=)

Gene: RASA2 (RAS p21 protein activator 2; plus strand). Cytogenetic location: 3q23.
Variant type: single nucleotide variant.
Coding change: c.519T>C on transcript NM_006506.5 (MANE Select); coding-DNA position 519, T replaced by C.
Protein change: p.Leu173=; no amino-acid change (leucine 173 retained).
Molecular consequence: synonymous variant.
Genome position (GRCh38, 1-based): chr3:141,540,601, T>C. VCF-style: chr3-141540601-T-C. GRCh37 (hg19) VCF-style: chr3-141259443-T-C.
Other names: c.519T>C, p.Leu173= (NM_001303245.3, NM_001303246.3); c.519T>C (NM_001303246.1).
Identifiers: ClinVar variation 917599 (VCV000917599.13), dbSNP rs956512674, ClinGen allele CA84633387.
Genomic context (GRCh38, chr3:141,540,601, plus strand): 5'-TCACCTTGAATTAAAACTGAATGAACTGATAACGGAGAATGGAACTGTATGCCAGCAGCT[T>C]GTTGTACAGTAAGCATTTTTTTTAACCAAAATCAACTAGAAATAATTCTCCATTTTGTAT-3'
Protein context (NP_006497.2, residues 163-183): ITENGTVCQQ[Leu173=]VVHIKACHGL